The following is an entry in ClinVar:

NM_000130.5(F5):c.5027C>T (p.Ser1676Phe)

Gene: F5 (coagulation factor V; minus strand). Cytogenetic location: 1q24.2.
Variant type: single nucleotide variant.
Coding change: c.5027C>T on transcript NM_000130.5 (MANE Select); coding-DNA position 5027, C replaced by T.
Protein change: p.Ser1676Phe; replaces serine 1676 with phenylalanine.
Molecular consequence: missense variant.
Genome position (GRCh38, 1-based): chr1:169,530,967, G>A on the plus strand (C>T on the coding strand, the complement: F5 is on the minus strand). VCF-style: chr1-169530967-G-A. GRCh37 (hg19) VCF-style: chr1-169500205-G-A.
Other names: short protein forms S1676F.
Identifiers: ClinVar variation 4751954 (VCV004751954.1).
Genomic context (GRCh38, chr1:169,530,967, plus strand): 5'-TCCTTAAACCATTCAGGAGAGTCATCTTCATAAGTCTTTCCCTCTGATGATTTTTCATAG[G>A]AAAGTCCATGGGCATGTAGAGAATACGGTCTGGATGCTAAATTTTTAAAACGAACCTAGG-3'
Protein context (NP_000121.2, residues 1666-1686): RPYSLHAHGL[Ser1676Phe]YEKSSEGKTY

ClinVar aggregate classification (germline): Uncertain significance (1 of 4 stars; one submission).

Conditions:
Congenital factor V deficiency. Also called: LABILE FACTOR DEFICIENCY; OWREN PARAHEMOPHILIA; PARAHEMOPHILIA; Hereditary factor V deficiency disease. Identifiers: Orphanet 326, MedGen C0015499, MONDO:0009210, OMIM 227400.

gnomAD v4.1: 1 of 1,613,786 alleles (0.000062%); highest among the groups gnomAD compares: Admixed American, 0.0017%; no homozygotes.

Submission:

Labcorp Genetics (formerly Invitae), Labcorp
Classification: Uncertain significance for Congenital factor V deficiency. Last evaluated: 2025-04-09. Review status: criteria provided, single submitter. Criteria: Invitae Variant Classification Sherloc (09022015). Collection method: clinical testing. Allele origin: germline.
Comment: This sequence change replaces serine, which is neutral and polar, with phenylalanine, which is neutral and non-polar, at codon 1676 of the F5 protein (p.Ser1676Phe). This variant is present in population databases (no rsID available, gnomAD 0.003%). This variant has not been reported in the literature in individuals affected with F5-related conditions. Invitae Evidence Modeling of protein sequence and biophysical properties (such as structural, functional, and spatial information, amino acid conservation, physicochemical variation, residue mobility, and thermodynamic stability) indicates that this missense variant is not expected to disrupt F5 protein function with a negative predictive value of 80%. In summary, the available evidence is currently insufficient to determine the role of this variant in disease. Therefore, it has been classified as a Variant of Uncertain Significance.